The following is an entry in ClinVar:

ClinVar aggregate classification (germline): Uncertain significance (1 of 4 stars; one submission).

Conditions:
Malignant hyperthermia, susceptibility to, 5 (MHS5). Also called: CACNA1S-Related Malignant Hyperthermia Susceptibility. Identifiers: Orphanet 423, MedGen C1866077, MONDO:0011163, OMIM 601887.
Hypokalemic periodic paralysis, type 1. Also called: HypoPP; Hypokalemic Periodic Paralysis Type 1 (AD). Identifiers: Orphanet 681, MedGen C3714580, MONDO:0042979, OMIM 170400.

Allele frequency attached by ClinVar (database versions not stated): gnomAD 0.00001; 1000 Genomes Project 30x 0.00016; 1000 Genomes Project 0.00020.

Submission:

Labcorp Genetics (formerly Invitae), Labcorp
Classification: Uncertain significance for Hypokalemic periodic paralysis, type 1; Malignant hyperthermia, susceptibility to, 5. Last evaluated: 2022-06-22. Review status: criteria provided, single submitter. Criteria: Invitae Variant Classification Sherloc (09022015). Collection method: clinical testing. Allele origin: germline.
Comment: This sequence change replaces threonine, which is neutral and polar, with methionine, which is neutral and non-polar, at codon 1473 of the CACNA1S protein (p.Thr1473Met). This variant is present in population databases (rs560343078, gnomAD 0.006%). This variant has not been reported in the literature in individuals affected with CACNA1S-related conditions. Algorithms developed to predict the effect of missense changes on protein structure and function are either unavailable or do not agree on the potential impact of this missense change (SIFT: "Deleterious"; PolyPhen-2: "Probably Damaging"; Align-GVGD: "Class C15"). In summary, the available evidence is currently insufficient to determine the role of this variant in disease. Therefore, it has been classified as a Variant of Uncertain Significance.

NM_000069.3(CACNA1S):c.4418C>T (p.Thr1473Met)

Gene: CACNA1S (calcium voltage-gated channel subunit alpha1 S; minus strand). Cytogenetic location: 1q32.1.
Variant type: single nucleotide variant.
Coding change: c.4418C>T on transcript NM_000069.3 (MANE Select); coding-DNA position 4418, C replaced by T.
Protein change: p.Thr1473Met; replaces threonine 1473 with methionine.
Molecular consequence: missense variant.
Genome position (GRCh38, 1-based): chr1:201,048,605, G>A on the plus strand (C>T on the coding strand, the complement: CACNA1S is on the minus strand). VCF-style: chr1-201048605-G-A. GRCh37 (hg19) VCF-style: chr1-201017733-G-A.
Other names: short protein forms T1473M.
Identifiers: ClinVar variation 2422654 (VCV002422654.4), dbSNP rs560343078, ClinGen allele CA083337.